The following is an entry in ClinVar:

NM_000079.4(CHRNA1):c.379A>G (p.Lys127Glu)

Gene: CHRNA1 (cholinergic receptor nicotinic alpha 1 subunit; minus strand). Cytogenetic location: 2q31.1.
Variant type: single nucleotide variant.
Coding change: c.379A>G on transcript NM_000079.4 (MANE Select); coding-DNA position 379, A replaced by G.
Protein change: p.Lys127Glu; replaces lysine 127 with glutamic acid.
Molecular consequence: missense variant.
Genome position (GRCh38, 1-based): chr2:174,754,380, T>C on the plus strand (A>G on the coding strand, the complement: CHRNA1 is on the minus strand). VCF-style: chr2-174754380-T-C. GRCh37 (hg19) VCF-style: chr2-175619108-T-C.
Other names: c.454A>G, p.Lys152Glu (NM_001039523.3); c.379A>G (NM_000079.3); short protein forms K127E, K152E.
Identifiers: ClinVar variation 3670523 (VCV003670523.3).

ClinVar aggregate classification (germline): Uncertain significance. Review status: criteria provided, multiple submitters, no conflicts (2 of 4 stars). 2 submissions from 2 submitters: Uncertain significance (2). Last evaluated 2025-06-06.

Conditions:
Inborn genetic diseases. Identifiers: MedGen C0950123, MeSH D030342.
Lethal multiple pterygium syndrome (LMPS). Identifiers: Orphanet 33108, MedGen C1854678, MONDO:0009668, OMIM 253290.

gnomAD v4.1: 3 of 1,614,176 alleles (0.00019%); highest among the groups gnomAD compares: East Asian, 0.0045%; no homozygotes.

Submissions (2):

Ambry Genetics
Classification: Uncertain significance for Inborn genetic diseases. Last evaluated: 2025-06-06. Review status: criteria provided, single submitter. Criteria: Ambry Variant Classification Scheme 2023. Collection method: clinical testing. Allele origin: germline.

Labcorp Genetics (formerly Invitae), Labcorp
Classification: Uncertain significance for Lethal multiple pterygium syndrome. Last evaluated: 2025-01-19. Review status: criteria provided, single submitter. Criteria: Invitae Variant Classification Sherloc (09022015). Collection method: clinical testing. Allele origin: germline.
Comment: This sequence change replaces lysine, which is basic and polar, with glutamic acid, which is acidic and polar, at codon 127 of the CHRNA1 protein (p.Lys127Glu). This variant is present in population databases (no rsID available, gnomAD 0.006%). This variant has not been reported in the literature in individuals affected with CHRNA1-related conditions. Invitae Evidence Modeling of protein sequence and biophysical properties (such as structural, functional, and spatial information, amino acid conservation, physicochemical variation, residue mobility, and thermodynamic stability) indicates that this missense variant is not expected to disrupt CHRNA1 protein function with a negative predictive value of 80%. In summary, the available evidence is currently insufficient to determine the role of this variant in disease. Therefore, it has been classified as a Variant of Uncertain Significance.